The following is an entry in ClinVar:

NM_001365951.3(KIF1B):c.3292_3300dup (p.Met1100_Glu1101insMetValMet)

Gene: KIF1B (kinesin family member 1B; plus strand). Cytogenetic location: 1p36.22.
Variant type: Duplication.
Coding change: c.3292_3300dup on transcript NM_001365951.3 (MANE Select); coding-DNA positions 3292 to 3300, 9 bases duplicated (ATGGTAATG; older notation c.3292_3300dupATGGTAATG).
Protein change: p.Met1100_Glu1101insMetValMet.
Molecular consequence: inframe insertion.
Genome position (GRCh38, 1-based): chr1:10,337,403-10,337,411, ATGGTAATG duplicated; duplicating any 9 consecutive bases within chr1:10,337,402-10,337,411 gives the same sequence; the c. name uses the placement nearest the transcript's 3' end. VCF-style (leftmost placement, unchanged base first): chr1-10337401-A-AGATGGTAAT. GRCh37 (hg19) VCF-style: chr1-10397459-A-AGATGGTAAT.
Other names: c.3292_3300dup, p.Met1100_Glu1101insMetValMet (NM_001365952.1); c.3154_3162dup, p.Met1054_Glu1055insMetValMet (NM_015074.3); c.3154_3162dupATGGTAATG (NM_015074.3).
Identifiers: ClinVar variation 1728217 (VCV001728217.2), dbSNP rs2521721591, ClinGen allele CA2580060457.

ClinVar aggregate classification (germline): Uncertain significance (1 of 4 stars; one submission).

Submission:

Ambry Genetics
Classification: Uncertain significance. Last evaluated: 2022-06-16. Review status: criteria provided, single submitter. Criteria: Ambry Variant Classification Scheme 2023. Collection method: clinical testing. Allele origin: germline.
Comment: The c.3154_3162dupATGGTAATG variant (also known as p.M1052_M1054dup), located in coding exon 28 of the KIF1B gene, results from an in-frame duplication of ATGGTAATG at nucleotide positions 3154 to 3162. This results in the duplication of 3 extra residues (MVM) between codons 1052 and 1054. This amino acid region is well conserved in available vertebrate species. In addition, the in silico prediction for this alteration is inconclusive (Choi Y et al. PLoS ONE. 2012; 7(10):e46688). Since supporting evidence is limited at this time, the clinical significance of this alteration remains unclear.